The following is an entry in ClinVar:

ClinVar aggregate classification (germline): Likely benign. Review status: criteria provided, single submitter (1 of 4 stars). 2 submissions from 2 submitters: Likely benign (1). 1 of the submissions does not count toward it. Last evaluated 2024-08-11.

Conditions:
SLC4A3-related disorder. Also called: SLC4A3-related condition.
Inborn genetic diseases. Identifiers: MedGen C0950123, MeSH D030342.

Allele frequency attached by ClinVar (database versions not stated): gnomAD exomes 0.00008; ExAC 0.00040; gnomAD 0.00086; TOPMed 0.00090; 1000 Genomes Project 30x 0.00094; ESP Exome Variant Server 0.00108; 1000 Genomes Project 0.00120.
gnomAD v4.1: 263 of 1,614,126 alleles (0.016%); highest among the groups gnomAD compares: African/African-American, 0.3%; no homozygotes.

Submissions (2):

Ambry Genetics
Classification: Likely benign for Inborn genetic diseases. Last evaluated: 2024-08-11. Review status: criteria provided, single submitter. Criteria: Ambry Variant Classification Scheme 2023. Collection method: clinical testing. Allele origin: germline.

PreventionGenetics, part of Exact Sciences
Classification: Likely benign for SLC4A3-related condition. Last evaluated: 2024-03-11. Review status: no assertion criteria provided. Collection method: clinical testing. Allele origin: germline. Not counted in ClinVar's aggregate classification.
Comment: This variant is classified as likely benign based on ACMG/AMP sequence variant interpretation guidelines (Richards et al. 2015 PMID: 25741868, with internal and published modifications).

NM_005070.4(SLC4A3):c.1610A>G (p.Asn537Ser)

Gene: SLC4A3 (solute carrier family 4 member 3; plus strand). Cytogenetic location: 2q35.
Variant type: single nucleotide variant.
Coding change: c.1610A>G on transcript NM_005070.4 (MANE Select); coding-DNA position 1610, A replaced by G.
Protein change: p.Asn537Ser; replaces asparagine 537 with serine.
Molecular consequence: missense variant. On other transcripts: non-coding transcript variant (1).
Genome position (GRCh38, 1-based): chr2:219,634,468, A>G. VCF-style: chr2-219634468-A-G. GRCh37 (hg19) VCF-style: chr2-220499190-A-G.
Other names: c.1691A>G, p.Asn564Ser (NM_001326559.2, NM_201574.3); short protein forms N537S, N564S.
Identifiers: ClinVar variation 3047547 (VCV003047547.3), dbSNP rs144812298, ClinGen allele CA2133991.